The following is an entry in ClinVar:

ClinVar aggregate classification (germline): Uncertain significance. Review status: criteria provided, multiple submitters, no conflicts (2 of 4 stars). 2 submissions from 2 submitters: Uncertain significance (2). Last evaluated 2023-10-28.

Conditions:
Episodic ataxia type 2 (EA2). Also called: ACETAZOLAMIDE-RESPONSIVE HEREDITARY PAROXYSMAL CEREBELLAR ATAXIA; ATAXIA, EPISODIC, WITH NYSTAGMUS; ATAXIA, FAMILIAL PAROXYSMAL; CEREBELLAR ATAXIA, PAROXYSMAL, ACETAZOLAMIDE-RESPONSIVE; CEREBELLOPATHY, HEREDITARY PAROXYSMAL; EPISODIC ATAXIA, NYSTAGMUS-ASSOCIATED. Identifiers: Orphanet 97, MedGen C1720416, MONDO:0007163, OMIM 108500.
Developmental and epileptic encephalopathy, 42 (DEE42A). Also called: DEVELOPMENTAL AND EPILEPTIC ENCEPHALOPATHY 42A; EPILEPTIC ENCEPHALOPATHY, EARLY INFANTILE, 42A; Epileptic encephalopathy, early infantile, 42. Identifiers: MedGen C4310716, MONDO:0014917, OMIM 617106.

Submissions (2):

Labcorp Genetics (formerly Invitae), Labcorp
Classification: Uncertain significance for Developmental and epileptic encephalopathy, 42; Episodic ataxia type 2. Last evaluated: 2023-10-28. Review status: criteria provided, single submitter. Criteria: Invitae Variant Classification Sherloc (09022015). Collection method: clinical testing. Allele origin: germline.
Comment: This sequence change replaces histidine, which is basic and polar, with arginine, which is basic and polar, at codon 2220 of the CACNA1A protein (p.His2220Arg). Information on the frequency of this variant in the gnomAD database is not available, as this variant may be reported differently in the database. This variant has not been reported in the literature in individuals affected with CACNA1A-related conditions. ClinVar contains an entry for this variant (Variation ID: 1676389). An algorithm developed to predict the effect of missense changes on protein structure and function (PolyPhen-2) suggests that this variant is likely to be tolerated. In summary, the available evidence is currently insufficient to determine the role of this variant in disease. Therefore, it has been classified as a Variant of Uncertain Significance.

GeneDx
Classification: Uncertain significance. Last evaluated: 2022-03-30. Review status: criteria provided, single submitter. Criteria: GeneDx Variant Classification Process June 2021. Collection method: clinical testing. Allele origin: germline. Affected: yes.
Comment: Not observed in large population cohorts (gnomAD); In silico analysis supports that this variant does not alter protein structure/function; Has not been previously published as pathogenic or benign to our knowledge

NM_001127222.2(CACNA1A):c.6656_6657delinsGC (p.His2219Arg)

Gene: CACNA1A (calcium voltage-gated channel subunit alpha1 A; minus strand). Cytogenetic location: 19p13.13.
Variant type: Indel.
Coding change: c.6656_6657delinsGC on transcript NM_001127222.2 (MANE Select); coding-DNA positions 6656 to 6657, AT replaced by GC.
Protein change: p.His2219Arg; replaces histidine 2219 with arginine.
Molecular consequence: missense variant.
Genome position (GRCh38, 1-based): chr19:13,208,879-13,208,880, AT replaced by GC on the plus strand (AT replaced by GC on the coding strand, the reverse complement: CACNA1A is on the minus strand). VCF-style: chr19-13208879-AT-GC. GRCh37 (hg19) VCF-style: chr19-13319693-AT-GC.
Other names: c.6674_6675delinsGC, p.His2225Arg (NM_000068.4, NM_023035.3); c.6659_6660delATinsGC, p.His2220Arg (NM_001127221.1); c.6659_6660delinsGC, p.His2220Arg (NM_001127221.2); c.6665_6666delinsGC, p.His2222Arg (NM_001174080.2); short protein forms H2219R, H2220R, H2222R, H2225R.
Identifiers: ClinVar variation 1676389 (VCV001676389.5), dbSNP rs1085307607, ClinGen allele CA2573156103.